The following is an entry in ClinVar:

NM_015512.5(DNAH1):c.2749C>T (p.Pro917Ser)

Gene: DNAH1 (dynein axonemal heavy chain 1; plus strand). Cytogenetic location: 3p21.1.
Variant type: single nucleotide variant.
Coding change: c.2749C>T on transcript NM_015512.5 (MANE Select); coding-DNA position 2749, C replaced by T.
Protein change: p.Pro917Ser; replaces proline 917 with serine.
Molecular consequence: missense variant.
Genome position (GRCh38, 1-based): chr3:52,351,981, C>T. VCF-style: chr3-52351981-C-T. GRCh37 (hg19) VCF-style: chr3-52385997-C-T.
Other names: short protein forms P917S.
Identifiers: ClinVar variation 1956562 (VCV001956562.3), dbSNP rs772390695, ClinGen allele CA2433380.

ClinVar aggregate classification (germline): Uncertain significance (1 of 4 stars; one submission).

Conditions:
Spermatogenic failure 18. Identifiers: MedGen C4539783, MONDO:0054615, OMIM 617576.
Ciliary dyskinesia, primary, 37 (CILD37). Also called: CILIARY DYSKINESIA, PRIMARY, 37, WITH OR WITHOUT SITUS INVERSUS. Identifiers: MedGen C4539798, MONDO:0033204, OMIM 617577.

Allele frequency attached by ClinVar (database versions not stated): gnomAD 0.00001; gnomAD exomes 0.00001; ExAC 0.00003.

Submission:

Labcorp Genetics (formerly Invitae), Labcorp
Classification: Uncertain significance for Ciliary dyskinesia, primary, 37; Spermatogenic failure 18. Last evaluated: 2022-06-02. Review status: criteria provided, single submitter. Criteria: Invitae Variant Classification Sherloc (09022015). Collection method: clinical testing. Allele origin: germline.
Comment: This variant has not been reported in the literature in individuals affected with DNAH1-related conditions. Algorithms developed to predict the effect of missense changes on protein structure and function (SIFT, PolyPhen-2, Align-GVGD) all suggest that this variant is likely to be disruptive. In summary, the available evidence is currently insufficient to determine the role of this variant in disease. Therefore, it has been classified as a Variant of Uncertain Significance. The frequency data for this variant in the population databases is considered unreliable, as metrics indicate poor data quality at this position in the gnomAD database. This sequence change replaces proline, which is neutral and non-polar, with serine, which is neutral and polar, at codon 917 of the DNAH1 protein (p.Pro917Ser).